The following is an entry in ClinVar:

NM_152383.5(DIS3L2):c.566G>C (p.Gly189Ala)

Gene: DIS3L2 (DIS3 like 3'-5' exoribonuclease 2; plus strand). Cytogenetic location: 2q37.1.
Variant type: single nucleotide variant.
Coding change: c.566G>C on transcript NM_152383.5 (MANE Select); coding-DNA position 566, G replaced by C.
Protein change: p.Gly189Ala; replaces glycine 189 with alanine.
Molecular consequence: missense variant. On other transcripts: non-coding transcript variant (2).
Genome position (GRCh38, 1-based): chr2:232,087,686, G>C. VCF-style: chr2-232087686-G-C. GRCh37 (hg19) VCF-style: chr2-232952396-G-C.
Other names: c.566G>C, p.Gly189Ala (NM_001257281.2, NM_001257282.2); short protein forms G189A.
Identifiers: ClinVar variation 569167 (VCV000569167.14), dbSNP rs755258805, ClinGen allele CA2163846.

ClinVar aggregate classification (germline): Uncertain significance. Review status: criteria provided, multiple submitters, no conflicts (2 of 4 stars). 3 submissions from 3 submitters: Uncertain significance (3). Last evaluated 2026-10-01.

Conditions:
Perlman syndrome (PRLMNS). Identifiers: Orphanet 2849, MedGen C0796113, MONDO:0009965, OMIM 267000.

Allele frequency attached by ClinVar (database versions not stated): gnomAD 0.00001.
gnomAD v4.1: 36 of 1,614,036 alleles (0.0022%); highest among the groups gnomAD compares: Middle Eastern, 0.016%; 1 homozygote.

Submissions (3):

St. Jude Molecular Pathology, St. Jude Children's Research Hospital
Classification: Uncertain significance for Perlman syndrome. Last evaluated: 2026-10-01. Review status: criteria provided, single submitter. Criteria: St. Jude Assertion Criteria 2020. Collection method: clinical testing. Allele origin: germline.
Comment: The DIS3L2 c.566G>C p.(Gly189Ala) miss ense change has a maximum subpopulation frequency of 0.01% in gnomAD v2.1.1, including 1 homozygote. The in silico tool REVEL predicts a benign effect on protein function, but to our knowledge this prediction has not been confirmed by functional studies. To our knowledge, this variant has not been reported in individuals with DIS3L2-associated conditions. In summary, the evidence currently available is insufficient to determine the clinical significance of this variant. It has therefore been classified as of uncertain significance.

Labcorp Genetics (formerly Invitae), Labcorp
Classification: Uncertain significance for Perlman syndrome. Last evaluated: 2025-05-05. Review status: criteria provided, single submitter. Criteria: Invitae Variant Classification Sherloc (09022015). Collection method: clinical testing. Allele origin: germline.
Comment: This sequence change replaces glycine, which is neutral and non-polar, with alanine, which is neutral and non-polar, at codon 189 of the DIS3L2 protein (p.Gly189Ala). This variant is present in population databases (rs755258805, gnomAD 0.01%), including at least one homozygous and/or hemizygous individual. This variant has not been reported in the literature in individuals affected with DIS3L2-related conditions. ClinVar contains an entry for this variant (Variation ID: 569167). An algorithm developed to predict the effect of missense changes on protein structure and function (PolyPhen-2) suggests that this variant is likely to be tolerated. In summary, the available evidence is currently insufficient to determine the role of this variant in disease. Therefore, it has been classified as a Variant of Uncertain Significance.

Illumina Laboratory Services, Illumina
Classification: Uncertain significance for Perlman syndrome. Last evaluated: 2018-01-12. Review status: criteria provided, single submitter. Criteria: ICSL Variant Classification Criteria 13 December 2019. Collection method: clinical testing. Allele origin: germline.